The following is an entry in ClinVar:

ClinVar aggregate classification (germline): Uncertain significance. Review status: criteria provided, multiple submitters, no conflicts (2 of 4 stars). 5 submissions from 5 submitters: Uncertain significance (4). 1 of the submissions does not count toward it. Last evaluated 2025-02-11.

Conditions:
Familial dysautonomia. Also called: HSAN III; FD. Identifiers: Orphanet 1764, MedGen C0013364, MONDO:0009131, OMIM 223900. Disease mechanism: loss of function.
Medulloblastoma (MDB). Also called: Medulloblastoma, somatic; MEDULLOBLASTOMA PREDISPOSITION SYNDROME. Identifiers: Orphanet 616, MedGen C0025149, MeSH D008527, MONDO:0007959, OMIM 155255, HP:0002885.

Allele frequency attached by ClinVar (database versions not stated): gnomAD exomes 0.00002 and 0.00003; TOPMed 0.00002; gnomAD 0.00003; ExAC 0.00007.

Submissions (5):

Ambry Genetics
Classification: Uncertain significance. Last evaluated: 2025-02-11. Review status: criteria provided, single submitter. Criteria: Ambry Variant Classification Scheme 2023. Collection method: clinical testing. Allele origin: germline.

ARUP Laboratories, Molecular Genetics and Genomics, ARUP Laboratories
Classification: Uncertain significance. Last evaluated: 2024-11-21. Review status: criteria provided, single submitter. Criteria: ARUP Molecular Germline Variant Investigation Process 2024. Collection method: clinical testing. Allele origin: germline.
Comment: The ELP1 c.859G>A; p.Val287Ile variant (rs755938001), to our knowledge, is not reported in the medical literature but is reported in ClinVar (Variation ID: 970987). This variant is found in the non-Finnish European population with an allele frequency of 0.006% (8/129,168 alleles) in the Genome Aggregation Database (v2.1.1). Computational analyses predict that this variant is neutral (REVEL: 0.034). Due to limited information, the clinical significance of this variant is uncertain at this time.

Fulgent Genetics
Classification: Uncertain significance for Medulloblastoma; Familial dysautonomia. Last evaluated: 2022-01-11. Review status: criteria provided, single submitter. Criteria: ACMG Guidelines, 2015. Collection method: clinical testing. Allele origin: unknown.

Labcorp Genetics (formerly Invitae), Labcorp
Classification: Uncertain significance. Last evaluated: 2021-08-31. Review status: criteria provided, single submitter. Criteria: Invitae Variant Classification Sherloc (09022015). Collection method: clinical testing. Allele origin: germline.
Comment: This sequence change replaces valine with isoleucine at codon 287 of the ELP1 protein (p.Val287Ile). The valine residue is moderately conserved and there is a small physicochemical difference between valine and isoleucine. This variant is present in population databases (rs755938001, ExAC 0.01%). This variant has not been reported in the literature in individuals affected with ELP1-related conditions. Algorithms developed to predict the effect of missense changes on protein structure and function (SIFT, PolyPhen-2, Align-GVGD) all suggest that this variant is likely to be tolerated. In summary, the available evidence is currently insufficient to determine the role of this variant in disease. Therefore, it has been classified as a Variant of Uncertain Significance.

Natera, Inc.
Classification: Uncertain significance for Familial dysautonomia. Last evaluated: 2020-10-21. Review status: no assertion criteria provided. Collection method: clinical testing. Allele origin: germline. Not counted in ClinVar's aggregate classification.

NM_003640.5(ELP1):c.859G>A (p.Val287Ile)

Gene: ELP1 (elongator acetyltransferase complex subunit 1; minus strand). Cytogenetic location: 9q31.3.
Variant type: single nucleotide variant.
Coding change: c.859G>A on transcript NM_003640.5 (MANE Select); coding-DNA position 859, G replaced by A.
Protein change: p.Val287Ile; replaces valine 287 with isoleucine.
Molecular consequence: missense variant. On other transcripts: 5 prime UTR variant (1).
Genome position (GRCh38, 1-based): chr9:108,917,552, C>T on the plus strand (G>A on the coding strand, the complement: ELP1 is on the minus strand). VCF-style: chr9-108917552-C-T. GRCh37 (hg19) VCF-style: chr9-111679832-C-T.
Other names: c.-189G>A (NM_001330749.2); c.517G>A, p.Val173Ile (NM_001318360.2); short protein forms V173I, V287I.
Identifiers: ClinVar variation 970987 (VCV000970987.7), dbSNP rs755938001, ClinGen allele CA5175225.